The following is an entry in ClinVar:

ClinVar aggregate classification (germline): Likely benign. Review status: criteria provided, multiple submitters, no conflicts (2 of 4 stars). 4 submissions from 4 submitters: Likely benign (3). 1 of the submissions does not count toward it. Last evaluated 2026-05-01.

Conditions:
RORA-related disorder. Also called: RORA-related condition.

Allele frequency attached by ClinVar (database versions not stated): 1000 Genomes Project 0.00040; 1000 Genomes Project 30x 0.00062; ExAC 0.00094; gnomAD exomes 0.00131 and 0.00213; ESP Exome Variant Server 0.00138; TOPMed 0.00164; gnomAD 0.00168.
gnomAD v4.1: 3,169 of 1,542,514 alleles (0.21%); highest among the groups gnomAD compares: Admixed American, 0.25%; 9 homozygotes.

Submissions (4):

CeGaT Center for Human Genetics Tuebingen
Classification: Likely benign. Last evaluated: 2026-05-01. Review status: criteria provided, single submitter. Criteria: CeGaT Center For Human Genetics Tuebingen Variant Classification Criteria Version 2. Collection method: clinical testing. Allele origin: germline. Affected: yes. Observed: 9 variant alleles.
Comment: RORA: BP4, BP7, BS1

Blueprint Genetics
Classification: Likely benign. Last evaluated: 2024-11-20. Review status: criteria provided, single submitter. Criteria: ACMG Guidelines, 2015. Collection method: clinical testing. Allele origin: germline.

Breakthrough Genomics
Classification: Likely benign. Review status: criteria provided, single submitter. Criteria: ACMG Guidelines, 2015. Collection method: not provided. Allele origin: germline. Inheritance: Autosomal dominant inheritance. Affected: yes.

PreventionGenetics, part of Exact Sciences
Classification: Likely benign for RORA-related condition. Last evaluated: 2019-07-17. Review status: no assertion criteria provided. Collection method: clinical testing. Allele origin: germline. Not counted in ClinVar's aggregate classification.
Comment: This variant is classified as likely benign based on ACMG/AMP sequence variant interpretation guidelines (Richards et al. 2015 PMID: 25741868, with internal and published modifications).

NM_134261.3(RORA):c.90G>A (p.Pro30=)

Gene: RORA (RAR related orphan receptor A; minus strand). Cytogenetic location: 15q22.2.
Variant type: single nucleotide variant.
Coding change: c.90G>A on transcript NM_134261.3 (MANE Select); coding-DNA position 90, G replaced by A.
Protein change: p.Pro30=; no amino-acid change (proline 30 retained).
Molecular consequence: synonymous variant.
Genome position (GRCh38, 1-based): chr15:61,229,129, C>T on the plus strand (G>A on the coding strand, the complement: RORA is on the minus strand). VCF-style: chr15-61229129-C-T. GRCh37 (hg19) VCF-style: chr15-61521328-C-T.
Other names: c.90G>A (NM_134261.2).
Identifiers: ClinVar variation 1298627 (VCV001298627.38), dbSNP rs201242304, ClinGen allele CA7594001.
Genomic context (GRCh38, chr15:61,229,129, plus strand): 5'-ATAGCTCTGTCTGCGCACCGGGGCAGGCGGCTCGCTCTTGCGGGCGGATTCCTGGTTCAG[C>T]GGGGTCTCCCTGGAGCCGGCGGCCGCGTCCGCGCCGCTGCTGCCTGGCTCGCTGGCGGCG-3'
Protein context (NP_599023.1, residues 20-40): ADAAAGSRET[Pro30=]LNQESARKSE